The following is an entry in ClinVar:

ClinVar aggregate classification (germline): Likely pathogenic (1 of 4 stars; one submission).

Conditions:
Charcot-Marie-Tooth disease X-linked dominant 1. Also called: HEREDITARY MOTOR AND SENSORY NEUROPATHY, X-LINKED; HMSN, X-LINKED; Charcot-Marie-Tooth Neuropathy X Type 1; CHARCOT-MARIE-TOOTH NEUROPATHY, X-LINKED, 1; CHARCOT-MARIE-TOOTH PERONEAL MUSCULAR ATROPHY, X-LINKED; X-linked Charcot-Marie-Tooth disease type 1. Identifiers: Orphanet 101075, MedGen C0393808, MONDO:0010549, OMIM 302800.

Submission:

Lupski Lab, Baylor-Hopkins CMG, Baylor College of Medicine
Classification: Likely pathogenic for Charcot-Marie-Tooth disease X-linked dominant 1. Last evaluated: 2015-08-18. Review status: criteria provided, single submitter. Criteria: Gonzaga-Jauregui et al. (Cell Rep. 2015). Collection method: research. Allele origin: germline. Inheritance: X-linked inheritance. Affected: yes. Observed: 1 variant allele, 1 heterozygote.
Comment: RNA was not available for studies.

NM_000166.6(GJB1):c.-16-2A>G

Gene: GJB1 (gap junction protein beta 1; plus strand). Cytogenetic location: Xq13.1.
Variant type: single nucleotide variant.
Coding change: c.-16-2A>G on transcript NM_000166.6 (MANE Select); the canonical splice acceptor site of the intron before 16 bases upstream of the start codon, A replaced by G.
Molecular consequence: splice acceptor variant.
Genome position (GRCh38, 1-based): chrX:71,223,690, A>G. VCF-style: chrX-71223690-A-G. GRCh37 (hg19) VCF-style: chrX-70443540-A-G.
Other names: c.-16-2A>G (NM_001097642.3).
Identifiers: ClinVar variation 243072 (VCV000243072.1), dbSNP rs751230398, ClinGen allele CA10584089.